The following is an entry in ClinVar:

ClinVar aggregate classification (germline): Pathogenic/Likely pathogenic. Review status: criteria provided, multiple submitters, no conflicts (2 of 4 stars). 11 submissions from 11 submitters: Pathogenic (2); Likely pathogenic (9). Last evaluated 2026-09-11.

Conditions:
MYH7-related disorder. Also called: MYH7-related condition; MYH7-related disease; MYH7-related disorders.
Hypertrophic cardiomyopathy 1 (CMH1). Also called: Familial hypertrophic cardiomyopathy 1; MYH7-Related Familial Hypertrophic Cardiomyopathy. Identifiers: MedGen C3495498, MONDO:0008647, OMIM 192600.
Congenital myopathy with fiber type disproportion. Also called: Congenital fiber-type disproportion myopathy; Congenital fiber-type disproportion. Identifiers: Orphanet 2020, MedGen C0546264, MONDO:0009711. Inheritance: all.
Myopathy, myosin storage, autosomal recessive (CMYO7B). Also called: CONGENITAL MYOPATHY 7B, MYOSIN STORAGE, AUTOSOMAL RECESSIVE. Identifiers: Orphanet 636970, MedGen C1850709, MONDO:0009708, OMIM 255160.
Myosin storage myopathy (CMYO7A). Also called: SCAPULOPERONEAL MUSCULAR DYSTROPHY; SCAPULOPERONEAL SYNDROME, MYOPATHIC TYPE; MYH7-related late-onset scapuloperoneal muscular dystrophy; Congenital myopathy 7A, myosin storage, autosomal dominant; Scapuloperoneal myopathy, MYH7-related; MYOPATHY, HYALINE BODY, AUTOSOMAL DOMINANT. Identifiers: Orphanet 437572, Orphanet 636965, MedGen C1842160, MONDO:0008409, OMIM 608358.
Dilated cardiomyopathy 1S (CMD1S). Identifiers: Orphanet 154, Orphanet 54260, MedGen C1834481, MONDO:0013262, OMIM 613426.
MYH7-related skeletal myopathy. Also called: Laing distal myopathy; Laing early-onset distal myopathy; MYOPATHY, DISTAL, EARLY-ONSET, AUTOSOMAL DOMINANT; MYOPATHY, LATE DISTAL HEREDITARY; Myopathy, distal, 1. Identifiers: Orphanet 59135, MedGen C4552004, MONDO:0008050, OMIM 160500.
Cardiovascular phenotype. Identifiers: MedGen CN230736.
Cardiomyopathy (CMYO). Also called: Cardiomyopathies. Identifiers: Orphanet 167848, MedGen C0878544, MONDO:0004994, HP:0001638. Inheritance: Various modes of inheritance.
Primary dilated cardiomyopathy (DCM). Also called: Dilated Cardiomyopathy. Identifiers: Orphanet 217604, MedGen C0007193, MeSH D002311, MONDO:0005021, HP:0001644. Inheritance: Various modes of inheritance.
Hypertrophic cardiomyopathy. Also called: HYPERTROPHIC MYOCARDIOPATHY. Identifiers: Orphanet 217569, MedGen C0007194, MeSH D002312, MONDO:0005045, HP:0001639.

Allele frequency attached by ClinVar (database versions not stated): gnomAD exomes below 0.00001.
gnomAD v4.1: 6 of 1,614,138 alleles (0.00037%); highest among the groups gnomAD compares: Non-Finnish European, 0.00051%; no homozygotes.

Submissions (11):

Ambry Genetics
Classification: Likely pathogenic for Cardiovascular phenotype. Last evaluated: 2026-09-11. Review status: criteria provided, single submitter. Criteria: Ambry Variant Classification Scheme 2023. Collection method: clinical testing. Allele origin: germline.
Comment: The c.4498C>T (p.R1500W) alteration is located in exon 32 (coding exon 30) of the MYH7 gene. This alteration results from a C to T substitution at nucleotide position 4498, causing the arginine (R) at amino acid position 1500 to be replaced by a tryptophan (W). This variant was not reported in population-based cohorts in the Genome Aggregation Database (gnomAD). This alteration has been reported in several dilated cardiomyopathy (DCM) cohorts (K&auml;rkk&auml;inen, 2004; Hershberger, 2008; Jerosch-Herold, 2008; Merlo, 2013;6:424-8; Forleo, 2017). This amino acid position is highly conserved in available vertebrate species. In vitro studies suggest that this alteration has an impact on filament formation; however, the same effect was not reproduced in vivo (Armel, 2010; Buvoli, 2012; Wolny, 2013). This alteration is predicted to be deleterious by in silico analysis. Based on the available evidence, this alteration is classified as likely pathogenic.

Labcorp Genetics (formerly Invitae), Labcorp
Classification: Pathogenic for Hypertrophic cardiomyopathy. Last evaluated: 2025-12-08. Review status: criteria provided, single submitter. Criteria: Invitae Variant Classification Sherloc (09022015). Collection method: clinical testing. Allele origin: germline.
Comment: This sequence change replaces arginine, which is basic and polar, with tryptophan, which is neutral and slightly polar, at codon 1500 of the MYH7 protein (p.Arg1500Trp). This variant is not present in population databases (gnomAD no frequency). This missense change has been observed in individuals with autosomal dominant dilated cardiomyopathy (PMID: 15556047, 18660445, 19412328, 24119082). ClinVar contains an entry for this variant (Variation ID: 164284). Invitae Evidence Modeling of protein sequence and biophysical properties (such as structural, functional, and spatial information, amino acid conservation, physicochemical variation, residue mobility, and thermodynamic stability) indicates that this missense variant is expected to disrupt MYH7 protein function with a positive predictive value of 95%. Experimental studies have shown that this missense change affects MYH7 function (PMID: 19854198). This variant disrupts the p.Arg1500 amino acid residue in MYH7. Other variant(s) that disrupt this residue have been determined to be pathogenic (PMID: 15322983, 19854198, 22155079). This suggests that this residue is clinically significant, and that variants that disrupt this residue are likely to be disease-causing. For these reasons, this variant has been classified as Pathogenic.

Color Diagnostics, LLC DBA Color Health
Classification: Likely pathogenic for Cardiomyopathy. Last evaluated: 2025-09-08. Review status: criteria provided, single submitter. Criteria: ACMG Guidelines, 2015. Collection method: clinical testing. Allele origin: germline.
Comment: This missense variant replaces arginine with tryptophan at codon 1500 in the LMM domain in the C-terminal tail region of the MYH7 protein that forms the thick filament backbone and interacts with other proteins. Computational prediction suggests that this variant may have deleterious impact on protein structure and function. Functional studies have shown that this variant affects MYH7 protein stability (PMID: 19854198, 22155079, 24047955). This variant has been reported in more than 10 individuals affected with dilated cardiomyopathy (PMID: 15556047, 18660445, 24119082, 26383716, 28750076, 31317183, 32880476, 34302607, 39472908communication with external laboratories: ClinVar SCV000737223.3 and SCV000901918.1) and in multiple individuals affected with left ventricular noncompaction cardiomyopathy (communication with external laboratories: ClinVar SCV000199112.4 and SCV000737223.3). This variant has not been identified in the general population by the Genome Aggregation Database (gnomAD). Based on the available evidence, this variant is classified as Likely Pathogenic.

All of Us Research Program, National Institutes of Health
Classification: Likely pathogenic for Primary dilated cardiomyopathy. Last evaluated: 2024-09-03. Review status: criteria provided, single submitter. Criteria: ACMG Guidelines, 2015. Collection method: clinical testing. Allele origin: germline. Inheritance: Autosomal dominant inheritance. Observed: 3 variant alleles, 3 heterozygotes.
Comment: The c.4498C>T (p.Arg1500Trp) variant in MYH7 gene, that encodes for myosin heavy chain 7, has been identified in at least seven unrelated individuals affected with Dilated Cardiomyopathy (DCM) (PMID:15556047, 19412328, 24119082, 28750076, 26383716, 32880476, 29540472). This variant is found to segregate with three affected individuals including the proband in one family (PMID: 18660445). Experimental studies have shown that this missense change causes severely decreased thermodynamic stability and affects filament assembly (PMID: 19854198). However, other studies have shown that this variant doesn?t appreciably affect myosin filament formation, myosin heavy chain incorporation into muscle sarcomeres, and myocyte contraction (PMID: 22155079, 24047955). In-silico computational prediction tools suggest that this variant may have deleterious effect on the protein function (REVEL score: 0.836). This variant is found to be absent in the general population database (gnomAD) and interpreted as likely pathogenic by multiple submitters in the ClinVar database (ClinVar ID: 164284). Therefore, the c.4498C>T (p.Arg1500Trp) variant in the MYH7 gene is classified as likely pathogenic.

This study involves interpretation of variants in research participants for the purpose of population health screening. Participant phenotype was not available at the time of variant classification. Additional details can be found in publication PMID: 35346344, PMCID: PMC8962531

Molecular Diagnostic Laboratory for Inherited Cardiovascular Disease, Montreal Heart Institute
Classification: Likely pathogenic for Cardiovascular phenotype. Last evaluated: 2024-06-11. Review status: criteria provided, single submitter. Criteria: ACMG Guidelines, 2015. Collection method: clinical testing. Allele origin: germline. Affected: yes.
Comment: PS4_mod, PM2, PM5_supp, PP1, PP3

Fulgent Genetics
Classification: Likely pathogenic for MYH7-related skeletal myopathy; Myosin storage myopathy; Hypertrophic cardiomyopathy 1; Myopathy, myosin storage, autosomal recessive; Congenital myopathy 4A, autosomal dominant; Dilated cardiomyopathy 1S. Last evaluated: 2021-08-18. Review status: criteria provided, single submitter. Criteria: ACMG Guidelines, 2015. Collection method: clinical testing. Allele origin: unknown.

Blueprint Genetics
Classification: Pathogenic for MYH7-related disorders. Last evaluated: 2020-01-20. Review status: criteria provided, single submitter. Criteria: ACMG Guidelines, 2015. Collection method: clinical testing. Allele origin: germline. Affected: yes. Observed: 1 variant allele.

Laboratory for Molecular Medicine, Mass General Brigham Personalized Medicine
Classification: Likely pathogenic for Primary dilated cardiomyopathy. Last evaluated: 2017-08-29. Review status: criteria provided, single submitter. Criteria: LMM Criteria. Collection method: clinical testing. Allele origin: germline. Inheritance: Autosomal dominant inheritance. Observed: 5 variant alleles.
Comment: The p.Arg1500Trp variant in MYH7 has been reported in the heterozygous state in 2 adults with LVNC and at least 6 adults with DCM (Karkkainen 2004, Jerosch-Hero l 2008, Merlo 2013, Hazebroek 2015, ClinVar Variation ID 164284). It was also id entified in the homozygous state in 1 child with neonatal DCM (GeneDx personal c ommunication). Furthermore, the variant segregated with disease in 2 affected re latives from 1 family (Jerosch-Herol 2008) and was absent from large population studies. In vitro functional studies provide some evidence that the p.Arg1500Trp variant may impact protein function (Armel 2010, Wolny 2013). However, these ty pes of assays may not accurately represent biological function. Additionally, th is variant was predicted to be pathogenic using a computational tool clinically validated by our laboratory. This tool's pathogenic prediction is estimated to b e correct 94% of the time (Jordan 2011). In summary, although additional studies are required to fully establish its clinical significance, the p.Arg1500Trp var iant is likely pathogenic.

CHEO Genetics Diagnostic Laboratory, Children's Hospital of Eastern Ontario
Classification: Likely pathogenic for Cardiomyopathy. Last evaluated: 2017-06-12. Review status: criteria provided, single submitter. Criteria: ACMG Guidelines, 2015. Collection method: clinical testing. Allele origin: germline. Study: Canadian Open Genetics Repository.

Stanford Center for Inherited Cardiovascular Disease, Stanford University
Classification: Likely pathogenic. Last evaluated: 2016-01-11. Review status: criteria provided, single submitter. Criteria: ACMG Guidelines, 2015. Collection method: provider interpretation. Allele origin: germline.

Clinical Genetics Service, Universitary Hospital 12 de Octubre
Classification: Likely pathogenic for Dilated cardiomyopathy 1S. Review status: criteria provided, single submitter. Criteria: ACMG Guidelines, 2015. Collection method: clinical testing. Allele origin: germline. Affected: yes.

Literature cited by the submitters: PubMed 15556047 (cited by 5 submitters); PubMed 18660445 (cited by 5 submitters); PubMed 19412328 (cited by 4 submitters); PubMed 19854198 (cited by 5 submitters); PubMed 22155079 (cited by 5 submitters); PubMed 24047955 (cited by 4 submitters); PubMed 24119082 (cited by 5 submitters); PubMed 28750076 (cited by 3 submitters); PubMed 15322983 (cited by Labcorp Genetics (formerly Invitae), Labcorp); PubMed 26383716 (cited by 3 submitters); PubMed 31317183 (cited by Color Diagnostics, LLC DBA Color Health); PubMed 32880476 (cited by Color Diagnostics, LLC DBA Color Health and All of Us Research Program, National Institutes of Health); PubMed 34302607 (cited by Color Diagnostics, LLC DBA Color Health); PubMed 39472908 (cited by Color Diagnostics, LLC DBA Color Health); PubMed 29540472 (cited by All of Us Research Program, National Institutes of Health); PubMed 23153285 (cited by Laboratory for Molecular Medicine, Mass General Brigham Personalized Medicine); PubMed 22337857 (cited by Laboratory for Molecular Medicine, Mass General Brigham Personalized Medicine); PubMed 25961035 (cited by Laboratory for Molecular Medicine, Mass General Brigham Personalized Medicine).

NM_000257.4(MYH7):c.4498C>T (p.Arg1500Trp)

Genes: MHRT (myosin heavy chain associated RNA transcript; plus strand), MYH7 (myosin heavy chain 7; minus strand). Cytogenetic location: 14q11.2.
Variant type: single nucleotide variant.
Coding change: c.4498C>T on transcript NM_000257.4 (MANE Select); coding-DNA position 4498, C replaced by T.
Protein change: p.Arg1500Trp; replaces arginine 1500 with tryptophan.
Molecular consequence: missense variant.
Genome position (GRCh38, 1-based): chr14:23,417,174, G>A on the plus strand (C>T on the coding strand, the complement: MYH7 is on the minus strand). VCF-style: chr14-23417174-G-A. GRCh37 (hg19) VCF-style: chr14-23886383-G-A.
Other names: short protein forms R1500W.
Identifiers: ClinVar variation 164284 (VCV000164284.33), dbSNP rs45544633, ClinGen allele CA015030.
Genomic context (GRCh38, chr14:23,417,174, plus strand): 5'-AGTGCAGCCCCTCCCCAGCCTCTTGGGCCCCCAGCACACCCTGCAGGTTTTTGTTCTCCC[G>A]CTTGAAGGTCTCCAGATGTTCCAGGGACTCCTCATAGGCGTTCTTGAGTTTGAAGAGCTC-3'
Protein context (NP_000248.2, residues 1490-1510): ESLEHLETFK[Arg1500Trp]ENKNLQEEIS